The following is an entry in ClinVar:

NM_032802.4(SPPL2A):c.347A>G (p.Asn116Ser)

Gene: SPPL2A (signal peptide peptidase like 2A; minus strand). Cytogenetic location: 15q21.2.
Variant type: single nucleotide variant.
Coding change: c.347A>G on transcript NM_032802.4 (MANE Select); coding-DNA position 347, A replaced by G.
Protein change: p.Asn116Ser; replaces asparagine 116 with serine.
Molecular consequence: missense variant.
Genome position (GRCh38, 1-based): chr15:50,748,701, T>C on the plus strand (A>G on the coding strand, the complement: SPPL2A is on the minus strand). VCF-style: chr15-50748701-T-C. GRCh37 (hg19) VCF-style: chr15-51040898-T-C.
Other names: short protein forms N116S.
Identifiers: ClinVar variation 1926429 (VCV001926429.5), dbSNP rs1341163946, ClinGen allele CA392414628.

ClinVar aggregate classification (germline): Uncertain significance (1 of 4 stars; one submission).

Allele frequency attached by ClinVar (database versions not stated): gnomAD exomes below 0.00001; gnomAD 0.00001.
gnomAD v4.1: 7 of 1,596,194 alleles (0.00044%); highest among the groups gnomAD compares: East Asian, 0.0023%; no homozygotes.

Submission:

Labcorp Genetics (formerly Invitae), Labcorp
Classification: Uncertain significance. Last evaluated: 2025-12-08. Review status: criteria provided, single submitter. Criteria: Invitae Variant Classification Sherloc (09022015). Collection method: clinical testing. Allele origin: germline.
Comment: This sequence change replaces asparagine, which is neutral and polar, with serine, which is neutral and polar, at codon 116 of the SPPL2A protein (p.Asn116Ser). The frequency data for this variant in the population databases is considered unreliable, as metrics indicate poor data quality at this position in the gnomAD database. This variant has not been reported in the literature in individuals affected with SPPL2A-related conditions. ClinVar contains an entry for this variant (Variation ID: 1926429). An algorithm developed to predict the effect of missense changes on protein structure and function (PolyPhen-2) suggests that this variant is likely to be tolerated. In summary, the available evidence is currently insufficient to determine the role of this variant in disease. Therefore, it has been classified as a Variant of Uncertain Significance.